The following is an entry in ClinVar:

NM_000094.4(COL7A1):c.116T>C (p.Ile39Thr)

Gene: COL7A1 (collagen type VII alpha 1 chain; minus strand). Cytogenetic location: 3p21.31.
Variant type: single nucleotide variant.
Coding change: c.116T>C on transcript NM_000094.4 (MANE Select); coding-DNA position 116, T replaced by C.
Protein change: p.Ile39Thr; replaces isoleucine 39 with threonine.
Molecular consequence: missense variant.
Genome position (GRCh38, 1-based): chr3:48,594,518, A>G on the plus strand (T>C on the coding strand, the complement: COL7A1 is on the minus strand). VCF-style: chr3-48594518-A-G. GRCh37 (hg19) VCF-style: chr3-48631951-A-G.
Other names: short protein forms I39T.
Identifiers: ClinVar variation 4796829 (VCV004796829.1).

ClinVar aggregate classification (germline): Uncertain significance (1 of 4 stars; one submission).

Submission:

Labcorp Genetics (formerly Invitae), Labcorp
Classification: Uncertain significance. Last evaluated: 2025-11-24. Review status: criteria provided, single submitter. Criteria: Invitae Variant Classification Sherloc (09022015). Collection method: clinical testing. Allele origin: germline.
Comment: This sequence change replaces isoleucine, which is neutral and non-polar, with threonine, which is neutral and polar, at codon 39 of the COL7A1 protein (p.Ile39Thr). This variant is not present in population databases (gnomAD no frequency). This variant has not been reported in the literature in individuals affected with COL7A1-related conditions. Invitae Evidence Modeling of protein sequence and biophysical properties (such as structural, functional, and spatial information, amino acid conservation, physicochemical variation, residue mobility, and thermodynamic stability) has been performed for this missense variant. However, the output from this modeling did not meet the statistical confidence thresholds required to predict the impact of this variant on COL7A1 protein function. In summary, the available evidence is currently insufficient to determine the role of this variant in disease. Therefore, it has been classified as a Variant of Uncertain Significance.